The following is an entry in ClinVar:

ClinVar aggregate classification (germline): Uncertain significance (1 of 4 stars; one submission).

Submission:

GeneDx
Classification: Uncertain significance. Last evaluated: 2025-06-13. Review status: criteria provided, single submitter. Criteria: GeneDx Variant Classification Process June 2021. Collection method: clinical testing. Allele origin: germline. Affected: yes.
Comment: Not observed at significant frequency in large population cohorts (gnomAD); In silico analysis suggests that this missense variant does not alter protein structure/function; Has not been previously published as pathogenic or benign to our knowledge

NM_000207.3(INS):c.254C>G (p.Ser85Cys)

Genes: INS (insulin; minus strand), INS-IGF2 (INS-IGF2 readthrough; minus strand). Cytogenetic location: 11p15.5.
Variant type: single nucleotide variant.
Coding change: c.254C>G on transcript NM_000207.3 (MANE Select); coding-DNA position 254, C replaced by G.
Protein change: p.Ser85Cys; replaces serine 85 with cysteine.
Molecular consequence: missense variant. On other transcripts: intron variant (1).
Genome position (GRCh38, 1-based): chr11:2,159,931, G>C on the plus strand (C>G on the coding strand, the complement: INS is on the minus strand). VCF-style: chr11-2159931-G-C. GRCh37 (hg19) VCF-style: chr11-2181161-G-C.
Other names: c.254C>G, p.Ser85Cys (NM_001185097.2, NM_001185098.2, NM_001291897.2); c.187+854C>G (NM_001042376.3); short protein forms S85C.
Identifiers: ClinVar variation 4537654 (VCV004537654.1).